The following is an entry in ClinVar:

ClinVar aggregate classification (germline): Uncertain significance (1 of 4 stars; one submission).

Allele frequency attached by ClinVar (database versions not stated): gnomAD 0.00001; TOPMed 0.00001.
gnomAD v4.1: 1 of 1,304,152 alleles (0.000077%); highest among the groups gnomAD compares: African/African-American, 0.0015%; no homozygotes.

Submission:

Labcorp Genetics (formerly Invitae), Labcorp
Classification: Uncertain significance. Last evaluated: 2022-01-14. Review status: criteria provided, single submitter. Criteria: Invitae Variant Classification Sherloc (09022015). Collection method: clinical testing. Allele origin: germline.
Comment: This sequence change replaces alanine, which is neutral and non-polar, with glutamic acid, which is acidic and polar, at codon 786 of the ERCC6L2 protein (p.Ala786Glu). This variant is not present in population databases (gnomAD no frequency). This variant has not been reported in the literature in individuals affected with ERCC6L2-related conditions. Algorithms developed to predict the effect of missense changes on protein structure and function are either unavailable or do not agree on the potential impact of this missense change (SIFT: "Tolerated"; PolyPhen-2: "Not Available"; Align-GVGD: "Class C0"). In summary, the available evidence is currently insufficient to determine the role of this variant in disease. Therefore, it has been classified as a Variant of Uncertain Significance.

NM_020207.7(ERCC6L2):c.2324C>A (p.Ala775Glu)

Gene: ERCC6L2 (ERCC excision repair 6 like 2; plus strand). Cytogenetic location: 9q22.32.
Variant type: single nucleotide variant.
Coding change: c.2324C>A on transcript NM_020207.7 (MANE Select); coding-DNA position 2324, C replaced by A.
Protein change: p.Ala775Glu; replaces alanine 775 with glutamic acid.
Molecular consequence: missense variant. On other transcripts: non-coding transcript variant (1).
Genome position (GRCh38, 1-based): chr9:95,972,075, C>A. VCF-style: chr9-95972075-C-A. GRCh37 (hg19) VCF-style: chr9-98734357-C-A.
Other names: c.2324C>A, p.Ala775Glu (NM_001375291.1, NM_001375292.1, NM_001375293.1 and 1 more transcripts); short protein forms A775E.
Identifiers: ClinVar variation 1921925 (VCV001921925.5), dbSNP rs1832438652, ClinGen allele CA1127034610.
Genomic context (GRCh38, chr9:95,972,075, plus strand): 5'-GTGACTTCAGTGATGAAGAGCCAGTGGGAGCCACAGGAATAAAGACTGCCAAAAACAAAG[C>A]ACCCGATTCAAGTAAAGCTTCCAGCTCTCCAGGACAGCTTACCTTACTCCAGTGTGGTTT-3'
Protein context (NP_064592.3, residues 765-785): ATGIKTAKNK[Ala775Glu]PDSSKASSSP